The following is an entry in ClinVar:

ClinVar aggregate classification (germline): Uncertain significance (1 of 4 stars; one submission).

Submission:

GeneDx
Classification: Uncertain significance. Last evaluated: 2023-06-05. Review status: criteria provided, single submitter. Criteria: GeneDx Variant Classification Process June 2021. Collection method: clinical testing. Allele origin: germline. Affected: yes.
Comment: Not observed at significant frequency in large population cohorts (gnomAD); In silico analysis supports that this missense variant does not alter protein structure/function; Has not been previously published as pathogenic or benign to our knowledge

NM_001384732.1(CPLANE1):c.380A>G (p.Lys127Arg)

Gene: CPLANE1 (ciliogenesis and planar polarity effector complex subunit 1; minus strand). Cytogenetic location: 5p13.2.
Variant type: single nucleotide variant.
Coding change: c.380A>G on transcript NM_001384732.1 (MANE Select); coding-DNA position 380, A replaced by G.
Protein change: p.Lys127Arg; replaces lysine 127 with arginine.
Molecular consequence: missense variant.
Genome position (GRCh38, 1-based): chr5:37,244,565, T>C on the plus strand (A>G on the coding strand, the complement: CPLANE1 is on the minus strand). VCF-style: chr5-37244565-T-C. GRCh37 (hg19) VCF-style: chr5-37244667-T-C.
Other names: c.380A>G, p.Lys127Arg (NM_023073.4); short protein forms K127R.
Identifiers: ClinVar variation 3362213 (VCV003362213.1).
Genomic context (GRCh38, chr5:37,244,565, plus strand): 5'-TTTAATTCCAAATATTCCCAAAGAAATATGCATCCAGAAGGTGTTATGAGCACAATTCTT[T>C]TCCCATTTCCAGATACATACAAGTACAGTCTCAAAGAGCTTGCTAAAAAAGTAACAAAAA-3'
Protein context (NP_001371661.1, residues 117-137): RLYLYVSGNG[Lys127Arg]RIVLITPSGC